The following is an entry in ClinVar:

NM_024496.4(IRF2BPL):c.591C>T (p.Asn197=)

Gene: IRF2BPL (interferon regulatory factor 2 binding protein like; minus strand). Cytogenetic location: 14q24.3.
Variant type: single nucleotide variant.
Coding change: c.591C>T on transcript NM_024496.4 (MANE Select); coding-DNA position 591, C replaced by T.
Protein change: p.Asn197=; no amino-acid change (asparagine 197 retained).
Molecular consequence: synonymous variant.
Genome position (GRCh38, 1-based): chr14:77,027,202, G>A on the plus strand (C>T on the coding strand, the complement: IRF2BPL is on the minus strand). VCF-style: chr14-77027202-G-A. GRCh37 (hg19) VCF-style: chr14-77493545-G-A.
Identifiers: ClinVar variation 2644396 (VCV002644396.24), dbSNP rs145072802, ClinGen allele CA7283897.

ClinVar aggregate classification (germline): Likely benign (1 of 4 stars; one submission).

Allele frequency attached by ClinVar (database versions not stated): gnomAD exomes 0.00028; gnomAD 0.00036; TOPMed 0.00043; ExAC 0.00054; ESP Exome Variant Server 0.00054.

Submission:

CeGaT Center for Human Genetics Tuebingen
Classification: Likely benign. Last evaluated: 2023-12-01. Review status: criteria provided, single submitter. Criteria: CeGaT Center For Human Genetics Tuebingen Variant Classification Criteria Version 2. Collection method: clinical testing. Allele origin: germline. Affected: yes. Observed: 2 variant alleles.
Comment: IRF2BPL: BP4, BP7